The following is an entry in ClinVar:

ClinVar aggregate classification (germline): Uncertain significance (1 of 4 stars; one submission).

Conditions:
MYH2-related disorder. Also called: MYH2-related condition.

Submission:

PreventionGenetics, part of Exact Sciences
Classification: Uncertain significance for MYH2-related condition. Last evaluated: 2025-09-20. Review status: criteria provided, single submitter. Criteria: ACMG Guidelines, 2015. Collection method: clinical testing. Allele origin: germline.
Comment: The MYH2 c.1013C>G variant is predicted to result in the amino acid substitution p.Ala338Gly. To our knowledge, this variant has not been reported in the literature or in a large population database (gnomAD), indicating this variant is rare. At this time, the clinical significance of this variant is uncertain due to the absence of conclusive functional and genetic evidence.

NM_017534.6(MYH2):c.1013C>G (p.Ala338Gly)

Genes: MYH2 (myosin heavy chain 2; minus strand), MYHAS (myosin heavy chain gene cluster antisense RNA; plus strand). Cytogenetic location: 17p13.1.
Variant type: single nucleotide variant.
Coding change: c.1013C>G on transcript NM_017534.6 (MANE Select); coding-DNA position 1013, C replaced by G.
Protein change: p.Ala338Gly; replaces alanine 338 with glycine.
Molecular consequence: missense variant.
Genome position (GRCh38, 1-based): chr17:10,540,062, G>C on the plus strand (C>G on the coding strand, the complement: MYH2 is on the minus strand). VCF-style: chr17-10540062-G-C. GRCh37 (hg19) VCF-style: chr17-10443379-G-C.
Other names: c.1013C>G, p.Ala338Gly (NM_001100112.2); short protein forms A338G.
Identifiers: ClinVar variation 4991566 (VCV004991566.1).